The following is an entry in ClinVar:

NM_016653.3(MAP3K20):c.971A>C (p.Glu324Ala)

Genes: MAP3K20 (mitogen-activated protein kinase kinase kinase 20; plus strand), MAP3K20-AS1 (MAP3K20 antisense RNA 1; minus strand). Cytogenetic location: 2q31.1.
Variant type: single nucleotide variant.
Coding change: c.971A>C on transcript NM_016653.3 (MANE Select); coding-DNA position 971, A replaced by C.
Protein change: p.Glu324Ala; replaces glutamic acid 324 with alanine.
Molecular consequence: missense variant.
Genome position (GRCh38, 1-based): chr2:173,217,234, A>C. VCF-style: chr2-173217234-A-C. GRCh37 (hg19) VCF-style: chr2-174081962-A-C.
Other names: c.971A>C, p.Glu324Ala (NM_133646.3); short protein forms E324A.
Identifiers: ClinVar variation 1935657 (VCV001935657.2), dbSNP rs767333028, ClinGen allele CA349314328.

ClinVar aggregate classification (germline): Uncertain significance (1 of 4 stars; one submission).

Allele frequency attached by ClinVar (database versions not stated): gnomAD 0.00001; TOPMed 0.00001.
gnomAD v4.1: 9 of 1,594,500 alleles (0.00056%); highest among the groups gnomAD compares: Middle Eastern, 0.017%; no homozygotes.

Submission:

Labcorp Genetics (formerly Invitae), Labcorp
Classification: Uncertain significance. Last evaluated: 2022-06-18. Review status: criteria provided, single submitter. Criteria: Invitae Variant Classification Sherloc (09022015). Collection method: clinical testing. Allele origin: germline.
Comment: This sequence change replaces glutamic acid, which is acidic and polar, with alanine, which is neutral and non-polar, at codon 324 of the MAP3K20 protein (p.Glu324Ala). This variant is present in population databases (no rsID available, gnomAD 0.002%). This variant has not been reported in the literature in individuals affected with MAP3K20-related conditions. Experimental studies and prediction algorithms are not available or were not evaluated, and the functional significance of this variant is currently unknown. In summary, the available evidence is currently insufficient to determine the role of this variant in disease. Therefore, it has been classified as a Variant of Uncertain Significance.